The following is an entry in ClinVar:

ClinVar aggregate classification (germline): Benign/Likely benign. Review status: criteria provided, multiple submitters, no conflicts (2 of 4 stars). 2 submissions from 2 submitters: Benign (1); Likely benign (1). Last evaluated 2024-11-07.

Conditions:
Hereditary cancer-predisposing syndrome. Also called: Hereditary Cancer Syndrome; Hereditary neoplastic syndrome; Neoplastic Syndromes, Hereditary; Tumor predisposition. Identifiers: Orphanet 140162, MedGen C0027672, MeSH D009386, MONDO:0015356.
Papillary renal cell carcinoma type 1 (RCCP1). Also called: Renal adenocarcinoma; Renal cell carcinoma 1; Renal cell carcinoma, somatic; RENAL CELL CARCINOMA, PAPILLARY, 1, SOMATIC. Identifiers: Orphanet 47044, MedGen C1336839, OMIM 605074, HP:0011797.

Allele frequency attached by ClinVar (database versions not stated): gnomAD exomes below 0.00001; TOPMed below 0.00001; gnomAD 0.00001.
gnomAD v4.1: 2 of 1,603,038 alleles (0.00012%); highest among the groups gnomAD compares: East Asian, 0.0022%; no homozygotes.

Submissions (2):

Myriad Genetics, Inc.
Classification: Benign for Papillary renal cell carcinoma type 1. Last evaluated: 2024-11-07. Review status: criteria provided, single submitter. Criteria: Myriad Autosomal Dominant, Autosomal Recessive and X-Linked Classification Criteria (2023). Collection method: clinical testing. Allele origin: unknown.
Comment: This variant is considered benign. This variant is a silent/synonymous amino acid change and it is not expected to impact splicing.

Ambry Genetics
Classification: Likely benign for Hereditary cancer-predisposing syndrome. Last evaluated: 2022-01-31. Review status: criteria provided, single submitter. Criteria: Ambry Variant Classification Scheme 2023. Collection method: clinical testing. Allele origin: germline.

NM_000245.4(MET):c.1044A>G (p.Gln348=)

Gene: MET (MET proto-oncogene, receptor tyrosine kinase; plus strand). Cytogenetic location: 7q31.2.
Variant type: single nucleotide variant.
Coding change: c.1044A>G on transcript NM_000245.4 (MANE Select); coding-DNA position 1044, A replaced by G.
Protein change: p.Gln348=; no amino-acid change (glutamine 348 retained).
Molecular consequence: synonymous variant. On other transcripts: intron variant (1).
Genome position (GRCh38, 1-based): chr7:116,700,128, A>G. VCF-style: chr7-116700128-A-G. GRCh37 (hg19) VCF-style: chr7-116340182-A-G.
Other names: c.1044A>G, p.Gln348= (NM_001127500.3, NM_001324401.3); c.-91+27551A>G (NM_001324402.2).
Identifiers: ClinVar variation 1774896 (VCV001774896.3), dbSNP rs1266319879, ClinGen allele CA457448268.